The following is an entry in ClinVar:

ClinVar aggregate classification (germline): Likely benign (1 of 4 stars; one submission).

Conditions:
UGT1A1-related disorder. Also called: UGT1A1-related disorders; UGT1A1-related condition.

Submission:

PreventionGenetics, part of Exact Sciences
Classification: Likely benign for UGT1A1-related condition. Last evaluated: 2026-04-10. Review status: criteria provided, single submitter. Criteria: ACMG Guidelines, 2015. Collection method: clinical testing. Allele origin: germline.
Comment: This variant is classified as likely benign based on ACMG/AMP sequence variant interpretation guidelines (Richards et al. 2015 PMID: 25741868, with internal and published modifications).

NM_000463.3(UGT1A1):c.-14G>A

Genes: UGT1A (UDP glucuronosyltransferase family 1 member A complex locus; plus strand), UGT1A1 (UDP glucuronosyltransferase family 1 member A1; plus strand), UGT1A10 (UDP glucuronosyltransferase family 1 member A10; plus strand), UGT1A3 (UDP glucuronosyltransferase family 1 member A3; plus strand), UGT1A4 (UDP glucuronosyltransferase family 1 member A4; plus strand) and 5 more. Cytogenetic location: 2q37.1.
Variant type: single nucleotide variant.
Coding change: c.-14G>A on transcript NM_000463.3 (MANE Select); 14 bases upstream of the start codon, G replaced by A.
Molecular consequence: 5 prime UTR variant. On other transcripts: intron variant (9).
Genome position (GRCh38, 1-based): chr2:233,760,274, G>A. VCF-style: chr2-233760274-G-A. GRCh37 (hg19) VCF-style: chr2-234668920-G-A.
Other names: c.856-6760G>A (NM_019076.5, NM_019075.4, NM_021027.3 and 1 more transcripts); c.61-6760G>A (NM_205862.3); c.862-6760G>A (NM_001072.4); c.868-6760G>A (NM_019078.2, NM_007120.3, NM_019093.4).
Identifiers: ClinVar variation 4989839 (VCV004989839.1).